The following is an entry in ClinVar:

ClinVar aggregate classification (germline): Uncertain significance (1 of 4 stars; one submission).

gnomAD v4.1: 1 of 1,613,960 alleles (0.000062%); no homozygotes.

Submission:

GeneDx
Classification: Uncertain significance. Last evaluated: 2024-06-10. Review status: criteria provided, single submitter. Criteria: GeneDx Variant Classification Process June 2021. Collection method: clinical testing. Allele origin: germline.
Comment: Not observed at significant frequency in large population cohorts (gnomAD); In silico analysis supports that this missense variant has a deleterious effect on protein structure/function; Has not been previously published as pathogenic or benign to our knowledge; Variants in candidate genes are classified as variants of uncertain significance in accordance with ACMG guidelines (PMID: 25741868)

NM_002332.3(LRP1):c.7463G>A (p.Gly2488Asp)

Gene: LRP1 (LDL receptor related protein 1; plus strand). Cytogenetic location: 12q13.3.
Variant type: single nucleotide variant.
Coding change: c.7463G>A on transcript NM_002332.3 (MANE Select); coding-DNA position 7463, G replaced by A.
Protein change: p.Gly2488Asp; replaces glycine 2488 with aspartic acid.
Molecular consequence: missense variant.
Genome position (GRCh38, 1-based): chr12:57,192,878, G>A. VCF-style: chr12-57192878-G-A. GRCh37 (hg19) VCF-style: chr12-57586661-G-A.
Other names: short protein forms G2488D.
Identifiers: ClinVar variation 4976677 (VCV004976677.1).